The following is an entry in ClinVar:

NM_013254.4(TBK1):c.1227C>T (p.Asp409=)

Gene: TBK1 (TANK binding kinase 1; plus strand). Cytogenetic location: 12q14.2.
Variant type: single nucleotide variant.
Coding change: c.1227C>T on transcript NM_013254.4 (MANE Select); coding-DNA position 1227, C replaced by T.
Protein change: p.Asp409=; no amino-acid change (aspartic acid 409 retained).
Molecular consequence: synonymous variant.
Genome position (GRCh38, 1-based): chr12:64,485,492, C>T. VCF-style: chr12-64485492-C-T. GRCh37 (hg19) VCF-style: chr12-64879272-C-T.
Other names: p.Asp409=.
Identifiers: ClinVar variation 704276 (VCV000704276.14), dbSNP rs150609728, ClinGen allele CA6669008.

ClinVar aggregate classification (germline): Benign/Likely benign. Review status: criteria provided, multiple submitters, no conflicts (2 of 4 stars). 4 submissions from 4 submitters: Benign (2); Likely benign (2). Last evaluated 2025-09-15.

Conditions:
Frontotemporal dementia and/or amyotrophic lateral sclerosis 4. Also called: FTDALS4. Identifiers: Orphanet 275872, MedGen C4225325, MONDO:0014641, OMIM 616439.

Allele frequency attached by ClinVar (database versions not stated): gnomAD exomes 0.00021; 1000 Genomes Project 30x 0.00031; ExAC 0.00035; 1000 Genomes Project 0.00040; gnomAD 0.00078 and 0.00088; TOPMed 0.00085; ESP Exome Variant Server 0.00092.
gnomAD v4.1: 270 of 1,556,666 alleles (0.017%); highest among the groups gnomAD compares: African/African-American, 0.22%; 1 homozygote.

Submissions (4):

Labcorp Genetics (formerly Invitae), Labcorp
Classification: Benign for Frontotemporal dementia and/or amyotrophic lateral sclerosis 4. Last evaluated: 2025-09-15. Review status: criteria provided, single submitter. Criteria: Invitae Variant Classification Sherloc (09022015). Collection method: clinical testing. Allele origin: germline.

Mayo Clinic Laboratories, Mayo Clinic
Classification: Likely benign. Last evaluated: 2025-06-16. Review status: criteria provided, single submitter. Criteria: ACMG Guidelines, 2015. Collection method: clinical testing. Allele origin: germline. Observed: 2 variant alleles.
Comment: BP4, BP7

Blueprint Genetics
Classification: Likely benign. Last evaluated: 2024-02-16. Review status: criteria provided, single submitter. Criteria: ACMG Guidelines, 2015. Collection method: clinical testing. Allele origin: germline.

Breakthrough Genomics
Classification: Benign. Review status: criteria provided, single submitter. Criteria: ACMG Guidelines, 2015. Collection method: not provided. Allele origin: germline. Inheritance: Autosomal dominant inheritance. Affected: yes.